The following is an entry in ClinVar:

NM_005188.4(CBL):c.*1594T>A

Gene: CBL (Cbl proto-oncogene; plus strand). Cytogenetic location: 11q23.3.
Variant type: single nucleotide variant.
Coding change: c.*1594T>A on transcript NM_005188.4 (MANE Select); 1594 bases downstream of the stop codon, T replaced by A.
Molecular consequence: 3 prime UTR variant.
Genome position (GRCh38, 1-based): chr11:119,301,375, T>A. VCF-style: chr11-119301375-T-A. GRCh37 (hg19) VCF-style: chr11-119172085-T-A.
Identifiers: ClinVar variation 302806 (VCV000302806.5), dbSNP rs193152909, ClinGen allele CA10637390.
Genomic context (GRCh38, chr11:119,301,375, plus strand): 5'-GAGAACTATTAGTCAGTTCTTTTATATGCTGATAAATGATCCCTCGAGTTCAGTTAGTAT[T>A]CTGTCCAGAGTGTTTAGCTCACTTTCTTAGCAGTGTGTAAGCTTTCTCCATGTCAGAAGC-3'

ClinVar aggregate classification (germline): Benign (1 of 4 stars; one submission).

Conditions:
CBL-related disorder. Also called: NOONAN SYNDROME-LIKE DISORDER WITHOUT JUVENILE MYELOMONOCYTIC LEUKEMIA; CBL MUTATION-ASSOCIATED SYNDROME; CBL SYNDROME. Identifiers: Orphanet 363972, MedGen C3150803, MONDO:0013308, OMIM 613563.

Allele frequency attached by ClinVar (database versions not stated): gnomAD 0.00153 and 0.00188; TOPMed 0.00171; gnomAD exomes 0.00201; 1000 Genomes Project 30x 0.00250; 1000 Genomes Project 0.00280.
gnomAD v4.1: 451 of 233,274 alleles (0.19%); highest among the groups gnomAD compares: South Asian, 1.2%; 2 homozygotes.

Submission:

Illumina Laboratory Services, Illumina
Classification: Benign for CBL-related disorder. Last evaluated: 2018-01-12. Review status: criteria provided, single submitter. Criteria: ICSL Variant Classification Criteria 13 December 2019. Collection method: clinical testing. Allele origin: germline.
Comment: This variant was observed in the ICSL laboratory as part of a predisposition screen in an ostensibly healthy population. It had not been previously curated by ICSL or reported in the Human Gene Mutation Database (HGMD: prior to June 1st, 2018), and was therefore a candidate for classification through an automated scoring system. Utilizing variant allele frequency, disease prevalence and penetrance estimates, and inheritance mode, an automated score was calculated to assess if this variant is too frequent to cause the disease. Based on the score and internal cut-off values, a variant classified as benign is not then subjected to further curation. The score for this variant resulted in a classification of benign for this disease.